The following is an entry in ClinVar:

NM_000059.4(BRCA2):c.9821T>C (p.Leu3274Ser)

Gene: BRCA2 (BRCA2 DNA repair associated; plus strand). Cytogenetic location: 13q13.1.
Variant type: single nucleotide variant.
Coding change: c.9821T>C on transcript NM_000059.4 (MANE Select); coding-DNA position 9821, T replaced by C.
Protein change: p.Leu3274Ser; replaces leucine 3274 with serine.
Molecular consequence: missense variant. On other transcripts: non-coding transcript variant (1).
Genome position (GRCh38, 1-based): chr13:32,398,334, T>C. VCF-style: chr13-32398334-T-C. GRCh37 (hg19) VCF-style: chr13-32972471-T-C.
Other names: c.9725T>C, p.Leu3242Ser (NM_001406719.1); c.9770T>C, p.Leu3257Ser (NM_001406720.1); c.4889T>C, p.Leu1630Ser (NM_001406721.1); c.3404T>C, p.Leu1135Ser (NM_001406722.1); short protein forms L1630S, L3257S, L3242S, L3274S, L1135S.
Identifiers: ClinVar variation 3261628 (VCV003261628.2).

ClinVar aggregate classification (germline): Uncertain significance. Review status: criteria provided, multiple submitters, no conflicts (2 of 4 stars). 2 submissions from 2 submitters: Uncertain significance (2). Last evaluated 2025-10-07.

Conditions:
Hereditary breast ovarian cancer syndrome. Also called: Hereditary breast and ovarian cancer; Hereditary breast and ovarian cancer syndrome (HBOC); BRCA1- and BRCA2-Associated Hereditary Breast and Ovarian Cancer; Hereditary breast and ovarian cancer syndrome; Hereditary breast and/or ovarian cancer syndrome; Breast and ovarian cancer. Identifiers: Orphanet 145, MedGen C0677776, MeSH D061325, MONDO:0003582. Disease mechanism: loss of function.
Hereditary cancer-predisposing syndrome. Also called: Hereditary Cancer Syndrome; Tumor predisposition; Hereditary neoplastic syndrome; Neoplastic Syndromes, Hereditary. Identifiers: Orphanet 140162, MedGen C0027672, MeSH D009386, MONDO:0015356.

gnomAD v4.1: 1 of 1,614,180 alleles (0.000062%); no homozygotes.

Submissions (2):

Labcorp Genetics (formerly Invitae), Labcorp
Classification: Uncertain significance for Hereditary breast ovarian cancer syndrome. Last evaluated: 2025-10-07. Review status: criteria provided, single submitter. Criteria: Invitae Variant Classification Sherloc (09022015). Collection method: clinical testing. Allele origin: germline.
Comment: This sequence change replaces leucine, which is neutral and non-polar, with serine, which is neutral and polar, at codon 3274 of the BRCA2 protein (p.Leu3274Ser). This variant is not present in population databases (gnomAD no frequency). This variant has not been reported in the literature in individuals affected with BRCA2-related conditions. ClinVar contains an entry for this variant (Variation ID: 3261628). Invitae Evidence Modeling of protein sequence and biophysical properties (such as structural, functional, and spatial information, amino acid conservation, physicochemical variation, residue mobility, and thermodynamic stability) indicates that this missense variant is not expected to disrupt BRCA2 protein function with a negative predictive value of 95%. In summary, the available evidence is currently insufficient to determine the role of this variant in disease. Therefore, it has been classified as a Variant of Uncertain Significance.

Ambry Genetics
Classification: Uncertain significance for Hereditary cancer-predisposing syndrome. Last evaluated: 2024-06-03. Review status: criteria provided, single submitter. Criteria: Ambry Variant Classification Scheme 2023. Collection method: clinical testing. Allele origin: germline.
Comment: The p.L3274S variant (also known as c.9821T>C), located in coding exon 26 of the BRCA2 gene, results from a T to C substitution at nucleotide position 9821. The leucine at codon 3274 is replaced by serine, an amino acid with dissimilar properties. This amino acid position is highly conserved in available vertebrate species. In addition, this alteration is predicted to be tolerated by in silico analysis. Based on the available evidence, the clinical significance of this variant remains unclear.